The following is an entry in ClinVar:

NM_033380.3(COL4A5):c.2059G>T (p.Gly687Trp)

Gene: COL4A5 (collagen type IV alpha 5 chain; plus strand). Cytogenetic location: Xq22.3.
Variant type: single nucleotide variant.
Coding change: c.2059G>T on transcript NM_033380.3 (MANE Select); coding-DNA position 2059, G replaced by T.
Protein change: p.Gly687Trp; replaces glycine 687 with tryptophan.
Molecular consequence: missense variant.
Genome position (GRCh38, 1-based): chrX:108,601,902, G>T. VCF-style: chrX-108601902-G-T. GRCh37 (hg19) VCF-style: chrX-107845132-G-T.
Other names: c.2059G>T, p.Gly687Trp (NM_000495.5); short protein forms G687W.
Identifiers: ClinVar variation 4802183 (VCV004802183.1).

ClinVar aggregate classification (germline): Likely pathogenic (1 of 4 stars; one submission).

Submission:

Labcorp Genetics (formerly Invitae), Labcorp
Classification: Likely pathogenic. Last evaluated: 2025-04-22. Review status: criteria provided, single submitter. Criteria: Invitae Variant Classification Sherloc (09022015). Collection method: clinical testing. Allele origin: germline.
Comment: This sequence change replaces glycine, which is neutral and non-polar, with tryptophan, which is neutral and slightly polar, at codon 687 of the COL4A5 protein (p.Gly687Trp). This variant is not present in population databases (gnomAD no frequency). This variant has not been reported in the literature in individuals affected with COL4A5-related conditions. Invitae Evidence Modeling of protein sequence and biophysical properties (such as structural, functional, and spatial information, amino acid conservation, physicochemical variation, residue mobility, and thermodynamic stability) indicates that this missense variant is expected to disrupt COL4A5 protein function with a positive predictive value of 95%. This variant disrupts the triple helix domain of COL4A5. Glycine residues within the Gly-Xaa-Yaa repeats of the triple helix domain are required for the structure and stability of fibrillar collagens (PMID: 7695699, 8218237, 19344236). In COL4A5, missense variants at these glycine residues are significantly enriched in individuals with disease (PMID: 23720012, 27627812) compared to the general population (ExAC). In summary, the currently available evidence indicates that the variant is pathogenic, but additional data are needed to prove that conclusively. Therefore, this variant has been classified as Likely Pathogenic.

Literature cited by the submitters: PubMed 7695699; PubMed 8218237; PubMed 19344236; PubMed 23720012; PubMed 27627812.